The following is an entry in ClinVar:

ClinVar aggregate classification (germline): Uncertain significance (1 of 4 stars; one submission).

Conditions:
Nemaline myopathy 9 (NEM9). Identifiers: MedGen C3810384, MONDO:0014326, OMIM 615731.

Submission:

Labcorp Genetics (formerly Invitae), Labcorp
Classification: Uncertain significance for Nemaline myopathy 9. Last evaluated: 2022-02-02. Review status: criteria provided, single submitter. Criteria: Invitae Variant Classification Sherloc (09022015). Collection method: clinical testing. Allele origin: germline.
Comment: In summary, the available evidence is currently insufficient to determine the role of this variant in disease. Therefore, it has been classified as a Variant of Uncertain Significance. Algorithms developed to predict the effect of missense changes on protein structure and function are either unavailable or do not agree on the potential impact of this missense change (SIFT: "Deleterious"; PolyPhen-2: "Possibly Damaging"; Align-GVGD: "Class C15"). ClinVar contains an entry for this variant (Variation ID: 1059098). This variant has not been reported in the literature in individuals affected with KLHL41-related conditions. This variant is not present in population databases (gnomAD no frequency). This sequence change replaces serine, which is neutral and polar, with cysteine, which is neutral and slightly polar, at codon 175 of the KLHL41 protein (p.Ser175Cys).

NM_006063.3(KLHL41):c.524C>G (p.Ser175Cys)

Gene: KLHL41 (kelch like family member 41; plus strand). Cytogenetic location: 2q31.1.
Variant type: single nucleotide variant.
Coding change: c.524C>G on transcript NM_006063.3 (MANE Select); coding-DNA position 524, C replaced by G.
Protein change: p.Ser175Cys; replaces serine 175 with cysteine.
Molecular consequence: missense variant.
Genome position (GRCh38, 1-based): chr2:169,510,302, C>G. VCF-style: chr2-169510302-C-G. GRCh37 (hg19) VCF-style: chr2-170366812-C-G.
Other names: short protein forms S175C.
Identifiers: ClinVar variation 1059098 (VCV001059098.9), dbSNP rs1684011448, ClinGen allele CA349175565.